The following is an entry in ClinVar:

ClinVar aggregate classification (germline): Uncertain significance (1 of 4 stars; one submission).

Submission:

GeneDx
Classification: Uncertain significance. Last evaluated: 2025-12-11. Review status: criteria provided, single submitter. Criteria: GeneDx Variant Classification Process June 2021. Collection method: clinical testing. Allele origin: germline.
Comment: Not observed at significant frequency in large population cohorts (gnomAD); In silico analysis supports that this missense variant has a deleterious effect on protein structure/function; Has not been previously published as pathogenic or benign to our knowledge

NM_016284.5(CNOT1):c.6731A>G (p.His2244Arg)

Gene: CNOT1 (CCR4-NOT transcription complex subunit 1; minus strand). Cytogenetic location: 16q21.
Variant type: single nucleotide variant.
Coding change: c.6731A>G on transcript NM_016284.5 (MANE Select); coding-DNA position 6731, A replaced by G.
Protein change: p.His2244Arg; replaces histidine 2244 with arginine.
Molecular consequence: missense variant. On other transcripts: non-coding transcript variant (1).
Genome position (GRCh38, 1-based): chr16:58,525,232, T>C on the plus strand (A>G on the coding strand, the complement: CNOT1 is on the minus strand). VCF-style: chr16-58525232-T-C. GRCh37 (hg19) VCF-style: chr16-58559136-T-C.
Other names: c.6716A>G, p.His2239Arg (NM_001265612.2); short protein forms H2239R, H2244R.
Identifiers: ClinVar variation 3369550 (VCV003369550.2).